The following is an entry in ClinVar:

ClinVar aggregate classification (germline): Uncertain significance (1 of 4 stars; one submission).

Submission:

Women's Health and Genetics/Laboratory Corporation of America, LabCorp
Classification: Uncertain significance. Last evaluated: 2025-10-27. Review status: criteria provided, single submitter. Criteria: LabCorp Variant Classification Summary - May 2015. Collection method: clinical testing. Allele origin: germline.
Comment: Variant summary: PIEZO2 c.4594A>G (p.Lys1532Glu) results in a conservative amino acid change in the encoded protein sequence. Algorithms developed to predict the effect of missense changes on protein structure and function are either unavailable or do not agree on the potential impact of this missense change. The frequency data for this variant in gnomAD is considered unreliable, as metrics indicate poor data quality at this position. To our knowledge, no occurrence of c.4594A>G in individuals affected with PIEZO2-related conditions and no experimental evidence demonstrating its impact on protein function have been reported. No submitters have cited clinical-significance assessments for this variant to ClinVar. Based on the evidence outlined above, the variant was classified as uncertain significance.

NM_001378183.1(PIEZO2):c.4669A>G (p.Lys1557Glu)

Gene: PIEZO2 (piezo type mechanosensitive ion channel component 2; minus strand). Cytogenetic location: 18p11.22.
Variant type: single nucleotide variant.
Coding change: c.4669A>G on transcript NM_001378183.1 (MANE Select); coding-DNA position 4669, A replaced by G.
Protein change: p.Lys1557Glu; replaces lysine 1557 with glutamic acid.
Molecular consequence: missense variant.
Genome position (GRCh38, 1-based): chr18:10,741,070, T>C on the plus strand (A>G on the coding strand, the complement: PIEZO2 is on the minus strand). VCF-style: chr18-10741070-T-C. GRCh37 (hg19) VCF-style: chr18-10741068-T-C.
Other names: c.4669A>G, p.Lys1557Glu (NM_001410871.1); c.4594A>G, p.Lys1532Glu (NM_022068.4); short protein forms K1532E, K1557E.
Identifiers: ClinVar variation 4687724 (VCV004687724.1).